The following is an entry in ClinVar:

NM_014236.4(GNPAT):c.165C>T (p.Tyr55=)

Gene: GNPAT (glyceronephosphate O-acyltransferase; plus strand). Cytogenetic location: 1q42.2.
Variant type: single nucleotide variant.
Coding change: c.165C>T on transcript NM_014236.4 (MANE Select); coding-DNA position 165, C replaced by T.
Protein change: p.Tyr55=; no amino-acid change (tyrosine 55 retained).
Molecular consequence: synonymous variant. On other transcripts: intron variant (1).
Genome position (GRCh38, 1-based): chr1:231,251,047, C>T. VCF-style: chr1-231251047-C-T. GRCh37 (hg19) VCF-style: chr1-231386793-C-T.
Other names: c.79-9460C>T (NM_001316350.2).
Identifiers: ClinVar variation 784703 (VCV000784703.10), dbSNP rs148209334, ClinGen allele CA1451741.

ClinVar aggregate classification (germline): Likely benign. Review status: criteria provided, multiple submitters, no conflicts (2 of 4 stars). 2 submissions from 2 submitters: Likely benign (2). Last evaluated 2026-08-23.

Conditions:
GNPAT-related disorder. Also called: GNPAT-related condition.

Allele frequency attached by ClinVar (database versions not stated): ExAC 0.00008; gnomAD exomes 0.00009 and 0.00046; TOPMed 0.00017; gnomAD 0.00020 and 0.00021; ESP Exome Variant Server 0.00038.
gnomAD v4.1: 668 of 1,595,258 alleles (0.042%); highest among the groups gnomAD compares: Non-Finnish European, 0.056%; 1 homozygote.

Submissions (2):

PreventionGenetics, part of Exact Sciences
Classification: Likely benign for GNPAT-related condition. Last evaluated: 2026-08-23. Review status: criteria provided, single submitter. Criteria: ACMG Guidelines, 2015. Collection method: clinical testing. Allele origin: germline.
Comment: This variant is classified as likely benign based on ACMG/AMP sequence variant interpretation guidelines (Richards et al. 2015 PMID: 25741868, with internal and published modifications).

Labcorp Genetics (formerly Invitae), Labcorp
Classification: Likely benign. Last evaluated: 2026-01-22. Review status: criteria provided, single submitter. Criteria: Invitae Variant Classification Sherloc (09022015). Collection method: clinical testing. Allele origin: germline.